The following is an entry in ClinVar:

NM_001199397.3(NEK1):c.1581T>C (p.Ala527=)

Gene: NEK1 (NIMA related kinase 1; minus strand). Cytogenetic location: 4q33.
Variant type: single nucleotide variant.
Coding change: c.1581T>C on transcript NM_001199397.3 (MANE Select); coding-DNA position 1581, T replaced by C.
Protein change: p.Ala527=; no amino-acid change (alanine 527 retained).
Molecular consequence: synonymous variant. On other transcripts: non-coding transcript variant (1).
Genome position (GRCh38, 1-based): chr4:169,537,893, A>G on the plus strand (T>C on the coding strand, the complement: NEK1 is on the minus strand). VCF-style: chr4-169537893-A-G. GRCh37 (hg19) VCF-style: chr4-170459044-A-G.
Other names: c.1449T>C, p.Ala483= (NM_001199398.3, NM_001199400.3); c.1374T>C, p.Ala458= (NM_001199399.3); c.1581T>C, p.Ala527= (NM_001374418.1, NM_001374419.1, NM_012224.4); c.1530T>C, p.Ala510= (NM_001374420.1); c.1455T>C, p.Ala485= (NM_001374421.1).
Identifiers: ClinVar variation 348112 (VCV000348112.21), dbSNP rs184804243, ClinGen allele CA3137690.

ClinVar aggregate classification (germline): Benign/Likely benign. Review status: criteria provided, multiple submitters, no conflicts (2 of 4 stars). 6 submissions from 6 submitters: Benign (1); Likely benign (4). 1 of the submissions does not count toward it. Last evaluated 2025-11-01.

Conditions:
Connective tissue disorder. Also called: Connective tissue disease. Identifiers: MedGen C0009782, MONDO:0003900.
NEK1-related disorder. Also called: NEK1-related condition.
Short-rib thoracic dysplasia 6 with or without polydactyly (SRTD6). Also called: POLYDACTYLY WITH NEONATAL CHONDRODYSTROPHY, TYPE II; SHORT RIB-POLYDACTYLY SYNDROME, TYPE IIA; SHORT-RIB THORACIC DYSPLASIA 6 WITH POLYDACTYLY; SHORT-RIB THORACIC DYSPLASIA 6 WITHOUT POLYDACTYLY; Majewski Syndrome. Identifiers: MedGen C0024507, MONDO:0009894, OMIM 263520.

Allele frequency attached by ClinVar (database versions not stated): gnomAD exomes 0.00013 and 0.00040; ExAC 0.00052; 1000 Genomes Project 0.00100; 1000 Genomes Project 30x 0.00109; gnomAD 0.00172 and 0.00188; TOPMed 0.00187; ESP Exome Variant Server 0.00202.
gnomAD v4.1: 471 of 1,604,184 alleles (0.029%); highest among the groups gnomAD compares: African/African-American, 0.54%; 1 homozygote.

Submissions (6):

Labcorp Genetics (formerly Invitae), Labcorp
Classification: Benign for Short-rib thoracic dysplasia 6 with or without polydactyly. Last evaluated: 2025-11-01. Review status: criteria provided, single submitter. Criteria: Invitae Variant Classification Sherloc (09022015). Collection method: clinical testing. Allele origin: germline.

Blueprint Genetics
Classification: Likely benign. Last evaluated: 2024-11-13. Review status: criteria provided, single submitter. Criteria: ACMG Guidelines, 2015. Collection method: clinical testing. Allele origin: germline.

Genome Diagnostics Laboratory, The Hospital for Sick Children
Classification: Likely benign for Connective tissue disorder. Last evaluated: 2020-02-01. Review status: criteria provided, single submitter. Criteria: ACMG Guidelines, 2015. Collection method: clinical testing. Allele origin: germline.

Illumina Laboratory Services, Illumina
Classification: Likely benign for Short-rib thoracic dysplasia 6 with or without polydactyly. Last evaluated: 2018-01-13. Review status: criteria provided, single submitter. Criteria: ICSL Variant Classification Criteria 13 December 2019. Collection method: clinical testing. Allele origin: germline.
Comment: This variant was observed in the ICSL laboratory as part of a predisposition screen in an ostensibly healthy population. It had not been previously curated by ICSL or reported in the Human Gene Mutation Database (HGMD: prior to June 1st, 2018), and was therefore a candidate for classification through an automated scoring system. Utilizing variant allele frequency, disease prevalence and penetrance estimates, and inheritance mode, an automated score was calculated to assess if this variant is too frequent to cause the disease. Based on the score and internal cut-off values, a variant classified as likely benign is not then subjected to further curation. The score for this variant resulted in a classification of likely benign for this disease.

Breakthrough Genomics
Classification: Likely benign. Review status: criteria provided, single submitter. Criteria: ACMG Guidelines, 2015. Collection method: not provided. Allele origin: germline. Inheritance: Autosomal recessive inheritance. Affected: yes.

PreventionGenetics, part of Exact Sciences
Classification: Likely benign for NEK1-related condition. Last evaluated: 2019-07-31. Review status: no assertion criteria provided. Collection method: clinical testing. Allele origin: germline. Not counted in ClinVar's aggregate classification.
Comment: This variant is classified as likely benign based on ACMG/AMP sequence variant interpretation guidelines (Richards et al. 2015 PMID: 25741868, with internal and published modifications).